The following is an entry in ClinVar:

ClinVar aggregate classification (germline): Uncertain significance (1 of 4 stars; one submission).

Conditions:
Hereditary cancer-predisposing syndrome. Also called: Neoplastic Syndromes, Hereditary; Hereditary Cancer Syndrome; Tumor predisposition; Hereditary neoplastic syndrome. Identifiers: Orphanet 140162, MedGen C0027672, MeSH D009386, MONDO:0015356.

Submission:

Ambry Genetics
Classification: Uncertain significance for Hereditary cancer-predisposing syndrome. Last evaluated: 2022-11-23. Review status: criteria provided, single submitter. Criteria: Ambry Variant Classification Scheme 2023. Collection method: clinical testing. Allele origin: germline.
Comment: The p.H55Q variant (also known as c.165C>A), located in coding exon 1 of the TMEM127 gene, results from a C to A substitution at nucleotide position 165. The histidine at codon 55 is replaced by glutamine, an amino acid with highly similar properties. This amino acid position is conserved. In addition, this alteration is predicted to be tolerated by in silico analysis. Since supporting evidence is limited at this time, the clinical significance of this alteration remains unclear.

NM_017849.4(TMEM127):c.165C>A (p.His55Gln)

Gene: TMEM127 (transmembrane protein 127; minus strand). Cytogenetic location: 2q11.2.
Variant type: single nucleotide variant.
Coding change: c.165C>A on transcript NM_017849.4 (MANE Select); coding-DNA position 165, C replaced by A.
Protein change: p.His55Gln; replaces histidine 55 with glutamine.
Molecular consequence: missense variant. On other transcripts: intron variant (1).
Genome position (GRCh38, 1-based): chr2:96,265,217, G>T on the plus strand (C>A on the coding strand, the complement: TMEM127 is on the minus strand). VCF-style: chr2-96265217-G-T. GRCh37 (hg19) VCF-style: chr2-96930955-G-T.
Other names: c.165C>A, p.His55Gln (NM_001193304.3); c.-9+652C>A (NM_001407283.1); short protein forms H55Q.
Identifiers: ClinVar variation 2448379 (VCV002448379.2), dbSNP rs2104307624, ClinGen allele CA347655986.